The following is an entry in ClinVar:

ClinVar aggregate classification (germline): Benign. Review status: no assertion criteria provided (0 of 4 stars). 2 submissions from 2 submitters: Benign (2). Last evaluated 2019-12-23.

Conditions:
PLA2G7-related disorder. Also called: PLA2G7-related condition.
RECLASSIFIED - MYOC POLYMORPHISM. Also called: RECLASSIFIED - MS4A2 POLYMORPHISM; RECLASSIFIED - PLA2G7 POLYMORPHISM; RECLASSIFIED - POLYMORPHISM; RECLASSIFIED - IL4R POLYMORPHISM.

Allele frequency attached by ClinVar (database versions not stated): gnomAD exomes 0.05856 and 0.06804; TOPMed 0.10434; gnomAD 0.10023 and 0.10021; ExAC 0.07307; 1000 Genomes Project 0.13319; 1000 Genomes Project 30x 0.13382.
gnomAD v4.1: 101,391 of 1,613,464 alleles (6.3%); highest among the groups gnomAD compares: African/African-American, 22%; 4,853 homozygotes.

Submissions (2):

PreventionGenetics, part of Exact Sciences
Classification: Benign for PLA2G7-related condition. Last evaluated: 2019-12-23. Review status: no assertion criteria provided. Collection method: clinical testing. Allele origin: germline.
Comment: This variant is classified as benign based on ACMG/AMP sequence variant interpretation guidelines (Richards et al. 2015 PMID: 25741868, with internal and published modifications).

OMIM
Classification: Benign for RECLASSIFIED - PLA2G7 POLYMORPHISM. Last evaluated: 2000-05-01. Review status: no assertion criteria provided. Collection method: literature only. Allele origin: germline.

Literature cited by the submitters: PubMed 10733466 (cited by OMIM); Hamosh, A. Personal Communication. 2023. Baltimore, Md. (cited by OMIM).

NM_005084.4(PLA2G7):c.593T>C (p.Ile198Thr)

Gene: PLA2G7 (phospholipase A2 group VII; minus strand). Cytogenetic location: 6p12.3.
Variant type: single nucleotide variant.
Coding change: c.593T>C on transcript NM_005084.4 (MANE Select); coding-DNA position 593, T replaced by C.
Protein change: p.Ile198Thr; replaces isoleucine 198 with threonine.
Molecular consequence: missense variant.
Genome position (GRCh38, 1-based): chr6:46,711,566, A>G on the plus strand (T>C on the coding strand, the complement: PLA2G7 is on the minus strand). VCF-style: chr6-46711566-A-G. GRCh37 (hg19) VCF-style: chr6-46679303-A-G.
Other names: c.593T>C, p.Ile198Thr (NM_001168357.2); c.593T>C (NM_005084.3); short protein forms I198T.
Identifiers: ClinVar variation 7915 (VCV000007915.5), dbSNP rs1805018, ClinGen allele CA119149.